The following is an entry in ClinVar:

ClinVar aggregate classification (germline): Uncertain significance (1 of 4 stars; one submission).

Conditions:
Hereditary cancer-predisposing syndrome. Also called: Tumor predisposition; Neoplastic Syndromes, Hereditary; Hereditary neoplastic syndrome; Hereditary Cancer Syndrome. Identifiers: Orphanet 140162, MedGen C0027672, MeSH D009386, MONDO:0015356.

Submission:

Ambry Genetics
Classification: Uncertain significance for Hereditary cancer-predisposing syndrome. Last evaluated: 2025-08-27. Review status: criteria provided, single submitter. Criteria: Ambry Variant Classification Scheme 2023. Collection method: clinical testing. Allele origin: germline.
Comment: The p.D52E variant (also known as c.156T>A), located in coding exon 2 of the MUTYH gene, results from a T to A substitution at nucleotide position 156. The aspartic acid at codon 52 is replaced by glutamic acid, an amino acid with highly similar properties. This amino acid position is conserved. In addition, this alteration is predicted to be tolerated by in silico analysis. Based on the available evidence, the clinical significance of this variant remains unclear.

NM_001048174.2(MUTYH):c.114T>A (p.Asp38Glu)

Gene: MUTYH (mutY DNA glycosylase; minus strand). Cytogenetic location: 1p34.1.
Variant type: single nucleotide variant.
Coding change: c.114T>A on transcript NM_001048174.2 (MANE Select); coding-DNA position 114, T replaced by A.
Protein change: p.Asp38Glu; replaces aspartic acid 38 with glutamic acid.
Molecular consequence: missense variant. On other transcripts: 5 prime UTR variant (7), non-coding transcript variant (7).
Genome position (GRCh38, 1-based): chr1:45,334,392, A>T on the plus strand (T>A on the coding strand, the complement: MUTYH is on the minus strand). VCF-style: chr1-45334392-A-T. GRCh37 (hg19) VCF-style: chr1-45800064-A-T.
Other names: c.-158T>A (NM_001350650.2); c.-94T>A (NM_001350651.2, NM_001407082.1); c.156T>A, p.Asp52Glu (NM_001407069.1, NM_001407073.1, NM_012222.3 and 2 more transcripts); c.114T>A, p.Asp38Glu (NM_001407070.1, NM_001407071.1, NM_001407072.1 and 15 more transcripts); c.-43T>A (NM_001407075.1); c.132T>A, p.Asp44Glu (NM_001407087.1); c.-99T>A (NM_001407091.1, NM_001293192.2, NM_001293196.2); short protein forms D52E, D44E, D38E.
Identifiers: ClinVar variation 4113375 (VCV004113375.1).